The following is an entry in ClinVar:

ClinVar aggregate classification (germline): Likely benign. Review status: criteria provided, multiple submitters, no conflicts (2 of 4 stars). 4 submissions from 4 submitters: Likely benign (4). Last evaluated 2025-10-09.

Conditions:
Cardiovascular phenotype. Identifiers: MedGen CN230736.
Hypercholesterolemia, autosomal dominant, type B (FHCL2). Also called: Familial Hypercholesterolemia Type B; Hyperlipoproteinemia Type IIb; Familial hypercholesterolemia 2; APOB-Related Familial Hypercholesterolemia, Autosomal Dominant; HYPERCHOLESTEROLEMIA, FAMILIAL, DUE TO LIGAND-DEFECTIVE APOLIPOPROTEIN B; APOLIPOPROTEIN B-100, FAMILIAL DEFECTIVE. Identifiers: MedGen C1704417, MONDO:0007751, OMIM 144010.
Familial hypobetalipoproteinemia 1. Also called: Hypobetalipoproteinemia, normotriglyceridemic; Acanthocytosis with hypobetalipoproteinemia; APOB-Related Familial Hypobetalipoproteinemia. Identifiers: MedGen C4551990, MONDO:0014252, OMIM 615558.
Familial hypercholesterolemia. Also called: Familial hypercholesterolemias; Familial hypercholesterolaemia. Identifiers: MedGen C0020445, MONDO:0005439.

Allele frequency attached by ClinVar (database versions not stated): gnomAD exomes 0.00002 and 0.00004; ExAC 0.00003; TOPMed 0.00003; gnomAD 0.00004; 1000 Genomes Project 30x 0.00016; 1000 Genomes Project 0.00020.
gnomAD v4.1: 39 of 1,614,026 alleles (0.0024%); highest among the groups gnomAD compares: Middle Eastern, 0.05%; no homozygotes.

Submissions (4):

Labcorp Genetics (formerly Invitae), Labcorp
Classification: Likely benign for Familial hypobetalipoproteinemia 1; Hypercholesterolemia, autosomal dominant, type B. Last evaluated: 2025-10-09. Review status: criteria provided, single submitter. Criteria: Invitae Variant Classification Sherloc (09022015). Collection method: clinical testing. Allele origin: germline.

GENinCode PLC
Classification: Likely benign for Familial hypercholesterolemia. Last evaluated: 2024-10-15. Review status: criteria provided, single submitter. Criteria: ACMG Guidelines, 2015. Collection method: clinical testing. Allele origin: germline.
Comment: This is a synonymous (silent) variant that is not predicted by SpliceAI to impact splicing. In addition, it occurs at a nucleotide that is not conserved. Therefore this variant has been classified as Likely Benign (BP4, BP7).

Blueprint Genetics
Classification: Likely benign. Last evaluated: 2024-01-15. Review status: criteria provided, single submitter. Criteria: ACMG Guidelines, 2015. Collection method: clinical testing. Allele origin: germline.

Ambry Genetics
Classification: Likely benign for Cardiovascular phenotype. Last evaluated: 2023-01-01. Review status: criteria provided, single submitter. Criteria: Ambry Variant Classification Scheme 2023. Collection method: clinical testing. Allele origin: germline.

NM_000384.3(APOB):c.11091T>C (p.Gly3697=)

Gene: APOB (apolipoprotein B; minus strand). Cytogenetic location: 2p24.1.
Variant type: single nucleotide variant.
Coding change: c.11091T>C on transcript NM_000384.3 (MANE Select); coding-DNA position 11091, T replaced by C.
Protein change: p.Gly3697=; no amino-acid change (glycine 3697 retained).
Molecular consequence: synonymous variant.
Genome position (GRCh38, 1-based): chr2:21,005,777, A>G on the plus strand (T>C on the coding strand, the complement: APOB is on the minus strand). VCF-style: chr2-21005777-A-G. GRCh37 (hg19) VCF-style: chr2-21228649-A-G.
Identifiers: ClinVar variation 477792 (VCV000477792.20), dbSNP rs201368496, ClinGen allele CA045463.
Genomic context (GRCh38, chr2:21,005,777, plus strand): 5'-ATAGCCATTGGGGTTTTTGGTGTACACAAAGGCAGTTGAAACACGAAGATGCTGTCTCCT[A>G]CCAATGCTGGTGGTTACATCCAGCTTTAGGAAATCCCATAAGCTCTTGTCATAGACTGGT-3'
Protein context (NP_000375.3, residues 3687-3707): FLKLDVTTSI[Gly3697=]RRQHLRVSTA